The following is an entry in ClinVar:

ClinVar aggregate classification (germline): Pathogenic (1 of 4 stars; one submission).

Conditions:
Cerebellar atrophy, visual impairment, and psychomotor retardation;. Also called: Cerebellar atrophy, visual impairment, and psychomotor retardation. Identifiers: MedGen C4225172, MONDO:0014811, OMIM 616875.

Submission:

Women's Health and Genetics/Laboratory Corporation of America, LabCorp
Classification: Pathogenic for Cerebellar atrophy, visual impairment, and psychomotor retardation;. Last evaluated: 2024-09-17. Review status: criteria provided, single submitter. Criteria: LabCorp Variant Classification Summary - May 2015. Collection method: clinical testing. Allele origin: germline.
Comment: Variant summary: EMC1 c.1691delT (p.Val564AlafsX9) results in a premature termination codon, predicted to cause a truncation of the encoded protein or absence of the protein due to nonsense mediated decay, which are commonly known mechanisms for disease. The variant was absent in 251488 control chromosomes. To our knowledge, no occurrence of c.1691delT in individuals affected with Cerebellar Atrophy, Visual Impairment, And Psychomotor Retardation and no experimental evidence demonstrating its impact on protein function have been reported. No submitters have cited clinical-significance assessments for this variant to ClinVar. Based on the evidence outlined above, the variant was classified as pathogenic.

NM_015047.3(EMC1):c.1691del (p.Val564fs)

Genes: EMC1 (ER membrane protein complex subunit 1; minus strand), EMC1-AS1 (EMC1 antisense RNA 1; plus strand). Cytogenetic location: 1p36.13.
Variant type: Deletion.
Coding change: c.1691del on transcript NM_015047.3 (MANE Select); coding-DNA position 1691, one base deleted (T; older notation c.1691delT).
Protein change: p.Val564fs; shifts the reading frame from valine 564.
Molecular consequence: frameshift variant.
Genome position (GRCh38, 1-based): chr1:19,232,715, A deleted on the plus strand (T on the coding strand, the reverse complement: EMC1 is on the minus strand). VCF-style (leftmost placement, unchanged base first): chr1-19232714-GA-G. GRCh37 (hg19) VCF-style: chr1-19559208-GA-G.
Other names: c.1688del, p.Val563fs (NM_001271427.2, NM_001271428.2); c.1625del, p.Val542fs (NM_001271429.2); c.1700del, p.Val567fs (NM_001375820.1); c.1697del, p.Val566fs (NM_001375821.1); c.1691delT (NM_015047.3); short protein forms V542fs, V563fs, V564fs, V566fs, V567fs.
Identifiers: ClinVar variation 3375420 (VCV003375420.1).